The following is an entry in ClinVar:

ClinVar aggregate classification (germline): Uncertain significance (1 of 4 stars; one submission).

Conditions:
Epidermolysis bullosa simplex with nail dystrophy (EBS5D). Identifiers: MedGen C4225309, MONDO:0014661, OMIM 616487.
Epidermolysis bullosa simplex 5B, with muscular dystrophy (EBS5B). Also called: EPIDERMOLYSIS BULLOSA SIMPLEX AND LIMB-GIRDLE MUSCULAR DYSTROPHY; Epidermolysis bullosa simplex with muscular dystrophy. Identifiers: Orphanet 257, MedGen C2931072, MONDO:0009181, OMIM 226670.
Epidermolysis bullosa simplex 5C, with pyloric atresia (EBS5C). Also called: PLEC-Related Epidermolysis Bullosa with Pyloric Atresia; Epidermolysis bullosa simplex with pyloric atresia; PLEC1-Related Epidermolysis Bullosa with Pyloric Atresia. Identifiers: Orphanet 158684, MedGen C2677349, MONDO:0012807, OMIM 612138.
Autosomal recessive limb-girdle muscular dystrophy type 2Q (LGMDR17). Also called: MUSCULAR DYSTROPHY, LIMB-GIRDLE, AUTOSOMAL RECESSIVE 17. Identifiers: Orphanet 254361, MedGen C3150989, MONDO:0013390, OMIM 613723.
Epidermolysis bullosa simplex, Ogna type (EBS5A). Also called: Pidermolysis bullosa simplex 5A, Ogna type; EPIDERMOLYSIS BULLOSA SIMPLEX 5A, OGNA TYPE. Identifiers: Orphanet 79401, MedGen C0432317, MONDO:0007555, OMIM 131950.

Submission:

Labcorp Genetics (formerly Invitae), Labcorp
Classification: Uncertain significance for Autosomal recessive limb-girdle muscular dystrophy type 2Q; Epidermolysis bullosa simplex, Ogna type; Epidermolysis bullosa simplex with nail dystrophy; Epidermolysis bullosa simplex 5C, with pyloric atresia; Epidermolysis bullosa simplex 5B, with muscular dystrophy. Last evaluated: 2024-01-11. Review status: criteria provided, single submitter. Criteria: Invitae Variant Classification Sherloc (09022015). Collection method: clinical testing. Allele origin: germline.
Comment: This sequence change replaces cysteine, which is neutral and slightly polar, with tyrosine, which is neutral and polar, at codon 1012 of the PLEC protein (p.Cys1012Tyr). This variant is present in population databases (no rsID available, gnomAD 0.0009%). This variant has not been reported in the literature in individuals affected with PLEC-related conditions. Advanced modeling of protein sequence and biophysical properties (such as structural, functional, and spatial information, amino acid conservation, physicochemical variation, residue mobility, and thermodynamic stability) performed at Invitae indicates that this missense variant is not expected to disrupt PLEC protein function with a negative predictive value of 80%. In summary, the available evidence is currently insufficient to determine the role of this variant in disease. Therefore, it has been classified as a Variant of Uncertain Significance.

NM_201384.3(PLEC):c.2954G>A (p.Cys985Tyr)

Gene: PLEC (plectin; minus strand). Cytogenetic location: 8q24.3.
Variant type: single nucleotide variant.
Coding change: c.2954G>A on transcript NM_201384.3 (MANE Select); coding-DNA position 2954, G replaced by A.
Protein change: p.Cys985Tyr; replaces cysteine 985 with tyrosine.
Molecular consequence: missense variant.
Genome position (GRCh38, 1-based): chr8:143,929,541, C>T on the plus strand (G>A on the coding strand, the complement: PLEC is on the minus strand). VCF-style: chr8-143929541-C-T. GRCh37 (hg19) VCF-style: chr8-145003709-C-T.
Other names: c.3035G>A, p.Cys1012Tyr (NM_000445.5, NM_001410941.1); c.2912G>A, p.Cys971Tyr (NM_201378.4); c.2888G>A, p.Cys963Tyr (NM_201379.3); c.3365G>A, p.Cys1122Tyr (NM_201380.4); c.2858G>A, p.Cys953Tyr (NM_201381.3); c.2954G>A, p.Cys985Tyr (NM_201382.4); c.2966G>A, p.Cys989Tyr (NM_201383.3); short protein forms C1012Y, C953Y, C971Y, C1122Y, C963Y, C985Y, C989Y.
Identifiers: ClinVar variation 2930741 (VCV002930741.3), dbSNP rs1554711240, ClinGen allele CA372570182.